The following is an entry in ClinVar:

ClinVar aggregate classification (germline): Uncertain significance (1 of 4 stars; one submission).

Submission:

GeneDx
Classification: Uncertain significance. Last evaluated: 2023-12-20. Review status: criteria provided, single submitter. Criteria: GeneDx Variant Classification Process June 2021. Collection method: clinical testing. Allele origin: germline. Affected: yes.
Comment: Not observed at significant frequency in large population cohorts (gnomAD); In silico analysis supports that this missense variant does not alter protein structure/function; Identified in an individual referred for genetic testing but who did not have clinical features or methylation studies consistent with an EZH2-related disorder (PMID: 32243864); This variant is associated with the following publications: (PMID: 32243864, 34664960, 37022461)

NM_004456.5(EZH2):c.2212G>A (p.Ala738Thr)

Gene: EZH2 (enhancer of zeste 2 polycomb repressive complex 2 subunit; minus strand). Cytogenetic location: 7q36.1.
Variant type: single nucleotide variant.
Coding change: c.2212G>A on transcript NM_004456.5 (MANE Select); coding-DNA position 2212, G replaced by A.
Protein change: p.Ala738Thr; replaces alanine 738 with threonine.
Molecular consequence: missense variant.
Genome position (GRCh38, 1-based): chr7:148,807,690, C>T on the plus strand (G>A on the coding strand, the complement: EZH2 is on the minus strand). VCF-style: chr7-148807690-C-T. GRCh37 (hg19) VCF-style: chr7-148504782-C-T.
Other names: c.2197G>A, p.Ala733Thr (NM_001203247.2); c.2170G>A, p.Ala724Thr (NM_001203248.2); c.2044G>A, p.Ala682Thr (NM_001203249.2); c.2080G>A, p.Ala694Thr (NM_152998.3); short protein forms A682T, A694T, A724T, A733T, A738T.
Identifiers: ClinVar variation 1307224 (VCV001307224.3), dbSNP rs2129465347, ClinGen allele CA369711825.